The following is an entry in ClinVar:

NM_001851.6(COL9A1):c.1397G>A (p.Gly466Glu)

Gene: COL9A1 (collagen type IX alpha 1 chain; minus strand). Cytogenetic location: 6q13.
Variant type: single nucleotide variant.
Coding change: c.1397G>A on transcript NM_001851.6 (MANE Select); coding-DNA position 1397, G replaced by A.
Protein change: p.Gly466Glu; replaces glycine 466 with glutamic acid.
Molecular consequence: missense variant. On other transcripts: non-coding transcript variant (1).
Genome position (GRCh38, 1-based): chr6:70,260,709, C>T on the plus strand (G>A on the coding strand, the complement: COL9A1 is on the minus strand). VCF-style: chr6-70260709-C-T. GRCh37 (hg19) VCF-style: chr6-70970412-C-T.
Other names: c.668G>A, p.Gly223Glu (NM_001377289.1, NM_001377290.1, NM_078485.4); short protein forms G223E, G466E.
Identifiers: ClinVar variation 4851808 (VCV004851808.1).

ClinVar aggregate classification (germline): Uncertain significance (1 of 4 stars; one submission).

Submission:

Dasa
Classification: Uncertain significance. Last evaluated: 2025-05-20. Review status: criteria provided, single submitter. Criteria: DASA Assertion Criteria. Collection method: clinical testing. Allele origin: germline.
Comment: NM_001851.6(COL9A1):c.1397G>A (p.Gly466Glu) is a missense variant that results in the substitution of glycine with glutamic acid. The affected residue or protein region has prior evidence supporting clinical relevance. Multiple computational predictions support a deleterious effect on the gene or gene product. The variant is present at low frequency in population datasets. Based on the available data, this variant is classified as variant of uncertain significance.